The following is an entry in ClinVar:

NM_000051.4(ATM):c.8010+2T>G

Genes: C11orf65 (chromosome 11 open reading frame 65; minus strand), ATM (ATM serine/threonine kinase; plus strand). Cytogenetic location: 11q22.3.
Variant type: single nucleotide variant.
Coding change: c.8010+2T>G on transcript NM_000051.4 (MANE Select); the canonical splice donor site of the intron after coding-DNA position 8010, T replaced by G.
Molecular consequence: splice donor variant. On other transcripts: intron variant (2).
Genome position (GRCh38, 1-based): chr11:108,333,970, T>G. VCF-style: chr11-108333970-T-G. GRCh37 (hg19) VCF-style: chr11-108204697-T-G.
Other names: c.8010+2T>G (NM_001351834.2); c.641-24899A>C (NM_001330368.2); c.*38+1250A>C (NM_001351110.2).
Identifiers: ClinVar variation 1761648 (VCV001761648.11), dbSNP rs1591184927, ClinGen allele CA382561823.
Genomic context (GRCh38, chr11:108,333,970, plus strand): 5'-AGCCAATTACTAAACTTAAGAATTTAGAAGATGTTGTTGTCCCTACTATGGAAATTAAGG[T>G]AATTTGCAATTAACTCTTGATTTTTTTTAAACTAAATTTTTTTTATTAGATTGAACCATT-3'

ClinVar aggregate classification (germline): Pathogenic/Likely pathogenic. Review status: criteria provided, multiple submitters, no conflicts (2 of 4 stars). 4 submissions from 4 submitters: Pathogenic (1); Likely pathogenic (3). Last evaluated 2025-01-14.

Conditions:
Familial cancer of breast. Also called: Hereditary breast cancer; hereditary breast carcinoma; BREAST CANCER, FAMILIAL. Identifiers: Orphanet 227535, MedGen C0346153, MONDO:0016419, OMIM 114480. Disease mechanism: loss of function.
Hereditary cancer-predisposing syndrome. Also called: Hereditary neoplastic syndrome; Neoplastic Syndromes, Hereditary; Tumor predisposition; Hereditary Cancer Syndrome. Identifiers: Orphanet 140162, MedGen C0027672, MeSH D009386, MONDO:0015356.
Ataxia-telangiectasia syndrome (AT). Also called: Ataxia telangiectasia (A-T); LOUIS-BAR SYNDROME; Cerebello-oculocutaneous telangiectasia; Immunodeficiency with ataxia telangiectasia; Ataxia-telangiectasia, complementation group D; AT, COMPLEMENTATION GROUP C. Identifiers: Orphanet 100, MedGen C0004135, MONDO:0008840, OMIM 208900.

Submissions (4):

Ambry Genetics
Classification: Pathogenic for Hereditary cancer-predisposing syndrome. Last evaluated: 2025-01-14. Review status: criteria provided, single submitter. Criteria: Ambry Variant Classification Scheme 2023. Collection method: clinical testing. Allele origin: germline.
Comment: The c.8010+2T>G intronic pathogenic mutation results from a T to G substitution two nucleotides after coding exon 53 in the ATM gene. Another alteration impacting the same donor site (c.8010+1delG) has demonstrated aberrant splicing by RNA studies (Ambry internal data). The c.8010+2T>G variant is considered to be rare based on population cohorts in the Genome Aggregation Database (gnomAD). In silico splice site analysis predicts that this alteration will weaken the native splice donor site. RNA studies have demonstrated that this alteration results in abnormal splicing in the set of samples tested (Ambry internal data). Alterations that disrupt the canonical splice site are expected to cause aberrant splicing, resulting in an abnormal protein or a transcript that is subject to nonsense-mediated mRNA decay. As such, this alteration is classified as a disease-causing mutation.

Baylor Genetics
Classification: Likely pathogenic for Familial cancer of breast. Last evaluated: 2023-11-06. Review status: criteria provided, single submitter. Criteria: ACMG Guidelines, 2015. Collection method: clinical testing. Allele origin: unknown.

Myriad Genetics, Inc.
Classification: Likely pathogenic for Familial cancer of breast. Last evaluated: 2023-02-08. Review status: criteria provided, single submitter. Criteria: Myriad Autosomal Dominant, Autosomal Recessive and X-Linked Classification Criteria (2023). Collection method: clinical testing. Allele origin: unknown.
Comment: This variant is considered likely pathogenic. This variant occurs within a consensus splice junction and is predicted to result in abnormal mRNA splicing of either an out-of-frame exon or an in-frame exon necessary for protein stability and/or normal function.

Labcorp Genetics (formerly Invitae), Labcorp
Classification: Likely pathogenic for Ataxia-telangiectasia syndrome. Last evaluated: 2022-09-12. Review status: criteria provided, single submitter. Criteria: Invitae Variant Classification Sherloc (09022015). Collection method: clinical testing. Allele origin: germline.
Comment: In summary, the currently available evidence indicates that the variant is pathogenic, but additional data are needed to prove that conclusively. Therefore, this variant has been classified as Likely Pathogenic. This sequence change affects a donor splice site in intron 54 of the ATM gene. It is expected to disrupt RNA splicing. Variants that disrupt the donor or acceptor splice site typically lead to a loss of protein function (PMID: 16199547), and loss-of-function variants in ATM are known to be pathogenic (PMID: 23807571, 25614872). This variant is not present in population databases (gnomAD no frequency). This variant has not been reported in the literature in individuals affected with ATM-related conditions. Algorithms developed to predict the effect of sequence changes on RNA splicing suggest that this variant may disrupt the consensus splice site.

Literature cited by the submitters: PubMed 16199547 (cited by Labcorp Genetics (formerly Invitae), Labcorp); PubMed 23807571 (cited by Labcorp Genetics (formerly Invitae), Labcorp); PubMed 25614872 (cited by Labcorp Genetics (formerly Invitae), Labcorp).